The following is an entry in ClinVar:

ClinVar aggregate classification (germline): Uncertain significance. Review status: criteria provided, multiple submitters, no conflicts (2 of 4 stars). 2 submissions from 2 submitters: Uncertain significance (2). Last evaluated 2025-08-26.

Conditions:
Inborn genetic diseases. Identifiers: MedGen C0950123, MeSH D030342.

Allele frequency attached by ClinVar (database versions not stated): TOPMed 0.00002; gnomAD 0.00005; gnomAD exomes 0.00007; ExAC 0.00013; 1000 Genomes Project 30x 0.00016; 1000 Genomes Project 0.00020.
gnomAD v4.1: 108 of 1,603,984 alleles (0.0067%); highest among the groups gnomAD compares: South Asian, 0.11%; no homozygotes.

Submissions (2):

Ambry Genetics
Classification: Uncertain significance for Inborn genetic diseases. Last evaluated: 2025-08-26. Review status: criteria provided, single submitter. Criteria: Ambry Variant Classification Scheme 2023. Collection method: clinical testing. Allele origin: germline.

GeneDx
Classification: Uncertain significance. Last evaluated: 2022-12-14. Review status: criteria provided, single submitter. Criteria: GeneDx Variant Classification Process June 2021. Collection method: clinical testing. Allele origin: germline. Affected: yes.
Comment: In silico analysis supports that this missense variant has a deleterious effect on protein structure/function; Has not been previously published as pathogenic or benign to our knowledge

NM_004667.6(HERC2):c.5662C>T (p.Pro1888Ser)

Gene: HERC2 (HECT and RLD domain containing E3 ubiquitin protein ligase 2; minus strand). Cytogenetic location: 15q13.1.
Variant type: single nucleotide variant.
Coding change: c.5662C>T on transcript NM_004667.6 (MANE Select); coding-DNA position 5662, C replaced by T.
Protein change: p.Pro1888Ser; replaces proline 1888 with serine.
Molecular consequence: missense variant.
Genome position (GRCh38, 1-based): chr15:28,220,635, G>A on the plus strand (C>T on the coding strand, the complement: HERC2 is on the minus strand). VCF-style: chr15-28220635-G-A. GRCh37 (hg19) VCF-style: chr15-28465781-G-A.
Other names: c.5662C>T (NM_004667.4); short protein forms P1888S.
Identifiers: ClinVar variation 2505739 (VCV002505739.2), dbSNP rs536162275, ClinGen allele CA7442281.